The following is an entry in ClinVar:

NM_001206927.2(DNAH8):c.12591G>A (p.Thr4197=)

Gene: DNAH8 (dynein axonemal heavy chain 8; plus strand). Cytogenetic location: 6p21.2.
Variant type: single nucleotide variant.
Coding change: c.12591G>A on transcript NM_001206927.2 (MANE Select); coding-DNA position 12591, G replaced by A.
Protein change: p.Thr4197=; no amino-acid change (threonine 4197 retained).
Molecular consequence: synonymous variant.
Genome position (GRCh38, 1-based): chr6:38,973,726, G>A. VCF-style: chr6-38973726-G-A. GRCh37 (hg19) VCF-style: chr6-38941502-G-A.
Other names: p.Thr4197=; c.11940G>A, p.Thr3980= (NM_001371.4).
Identifiers: ClinVar variation 414435 (VCV000414435.13), dbSNP rs59067570, ClinGen allele CA3791406.

ClinVar aggregate classification (germline): Benign. Review status: criteria provided, multiple submitters, no conflicts (2 of 4 stars). 2 submissions from 2 submitters: Benign (2). Last evaluated 2026-01-25.

Conditions:
Primary ciliary dyskinesia. Also called: Ciliary dyskinesia. Identifiers: Orphanet 244, MedGen C0008780, MONDO:0016575, HP:0012265.

Allele frequency attached by ClinVar (database versions not stated): gnomAD exomes 0.00125; ExAC 0.00178; gnomAD 0.00492 and 0.00528; 1000 Genomes Project 30x 0.00500; 1000 Genomes Project 0.00519; TOPMed 0.00550; ESP Exome Variant Server 0.00615.
gnomAD v4.1: 1,496 of 1,609,944 alleles (0.093%); highest among the groups gnomAD compares: African/African-American, 1.7%; 12 homozygotes.

Submissions (2):

Labcorp Genetics (formerly Invitae), Labcorp
Classification: Benign for Primary ciliary dyskinesia. Last evaluated: 2026-01-25. Review status: criteria provided, single submitter. Criteria: Invitae Variant Classification Sherloc (09022015). Collection method: clinical testing. Allele origin: germline.

Mayo Clinic Laboratories, Mayo Clinic
Classification: Benign. Last evaluated: 2024-10-16. Review status: criteria provided, single submitter. Criteria: ACMG Guidelines, 2015. Collection method: clinical testing. Allele origin: germline. Observed: 1 variant allele.
Comment: BS1, BS2